The following is an entry in ClinVar:

ClinVar aggregate classification (germline): Likely pathogenic (1 of 4 stars; one submission).

Conditions:
Autosomal recessive limb-girdle muscular dystrophy type 2J (LGMDR10). Also called: Limb-girdle muscular dystrophy, type 2J; MUSCULAR DYSTROPHY, LIMB-GIRDLE, AUTOSOMAL RECESSIVE 10. Identifiers: Orphanet 140922, MedGen C1837342, MONDO:0012127, OMIM 608807.
Dilated cardiomyopathy 1G (CMD1G). Identifiers: Orphanet 154, MedGen C1858763, MONDO:0011400, OMIM 604145.

Submission:

Labcorp Genetics (formerly Invitae), Labcorp
Classification: Likely pathogenic for Dilated cardiomyopathy 1G; Autosomal recessive limb-girdle muscular dystrophy type 2J. Last evaluated: 2024-11-04. Review status: criteria provided, single submitter. Criteria: Invitae Variant Classification Sherloc (09022015). Collection method: clinical testing. Allele origin: germline.
Comment: This sequence change creates a premature translational stop signal (p.Thr8747Metfs*87) in the TTN gene. While this is not anticipated to result in nonsense mediated decay, it is expected to create a truncated TTN protein. This variant is not present in population databases (gnomAD no frequency). This variant has not been reported in the literature in individuals affected with TTN-related conditions. ClinVar contains an entry for this variant (Variation ID: 535012). This variant is located in the I band of TTN (PMID: 25589632). Truncating variants in this region have been reported in individuals affected with autosomal recessive centronuclear myopathy (PMID: 23975875, internal data). Truncating variants in this region have also been identified in individuals affected with autosomal dominant dilated cardiomyopathy and/or cardio-related conditions (PMID: 27869827, 32964742, internal data). In summary, the currently available evidence indicates that the variant is pathogenic, but additional data are needed to prove that conclusively. Therefore, this variant has been classified as Likely Pathogenic.

Literature cited by the submitters: PubMed 25589632; PubMed 23975875; PubMed 27869827; PubMed 32964742.

NM_001267550.2(TTN):c.26240del (p.Thr8747fs)

Gene: TTN (titin; minus strand). Cytogenetic location: 2q31.2.
Variant type: Deletion.
Coding change: c.26240del on transcript NM_001267550.2 (MANE Select); coding-DNA position 26240, one base deleted (C; older notation c.26240delC).
Protein change: p.Thr8747fs; shifts the reading frame from threonine 8747.
Molecular consequence: frameshift variant. On other transcripts: intron variant (3).
Genome position (GRCh38, 1-based): chr2:178,714,534, G deleted on the plus strand (C on the coding strand, the reverse complement: TTN is on the minus strand). VCF-style (leftmost placement, unchanged base first): chr2-178714533-AG-A. GRCh37 (hg19) VCF-style: chr2-179579260-AG-A.
Other names: c.26240delC (NM_001267550.2); c.25289del, p.Thr8430fs (NM_001256850.1); c.22508del, p.Thr7503fs (NM_133378.4); c.13282+23548del (NM_003319.4); c.13858+23548del (NM_133437.4); c.13657+23548del (NM_133432.3); short protein forms T8747fs, T7503fs, T8430fs.
Identifiers: ClinVar variation 535012 (VCV000535012.11), dbSNP rs1553896398, ClinGen allele CA658796047.
Genomic context (GRCh38, chr2:178,714,533, plus strand): 5'-CACTGAAATGGGTTCAGCGCCTTCAATGGTAGTCTGCAGCTGAACTTCTTTACCAACGAC[AG>A]TAGATATGTCACTGAGCTTCTTCACAAATCTTGGTGGTGCTGATGAAAAAGGAGGAAAGC-3'